The following is an entry in ClinVar:

NM_153682.3(PIGP):c.22C>G (p.Pro8Ala)

Gene: PIGP (phosphatidylinositol glycan anchor biosynthesis class P; minus strand). Cytogenetic location: 21q22.13.
Variant type: single nucleotide variant.
Coding change: c.22C>G on transcript NM_153682.3 (MANE Select); coding-DNA position 22, C replaced by G.
Protein change: p.Pro8Ala; replaces proline 8 with alanine.
Molecular consequence: missense variant. On other transcripts: 5 prime UTR variant (1).
Genome position (GRCh38, 1-based): chr21:37,072,494, G>C on the plus strand (C>G on the coding strand, the complement: PIGP is on the minus strand). VCF-style: chr21-37072494-G-C. GRCh37 (hg19) VCF-style: chr21-38444794-G-C.
Other names: c.22C>G, p.Pro8Ala (NM_001320480.2); c.-223C>G (NM_016430.4); c.94C>G, p.Pro32Ala (NM_153681.2); short protein forms P8A, P32A.
Identifiers: ClinVar variation 803631 (VCV000803631.7), dbSNP rs201170767, ClinGen allele CA10021174.
Genomic context (GRCh38, chr21:37,072,494, plus strand): 5'-TGAAGCCAAATTGGGAGCTTAAGAAAAGAACAAAGCCATAAATCGCTCTTTCTGGCAATG[G>C]CGACGGTGAATTTTCCACCATTTTTCCTGGGGCTTTAGACAATCTGTGGAAAAGGAACAC-3'
Protein context (NP_710149.1, residues 1-18): MVENSPS[Pro8Ala]LPERAIYGFV

ClinVar aggregate classification (germline): Uncertain significance. Review status: criteria provided, multiple submitters, no conflicts (2 of 4 stars). 2 submissions from 2 submitters: Uncertain significance (2). Last evaluated 2026-01-12.

Conditions:
Developmental and epileptic encephalopathy, 55. Also called: GLYCOSYLPHOSPHATIDYLINOSITOL BIOSYNTHESIS DEFECT 14; Early infantile epileptic encephalopathy 55. Identifiers: MedGen C4539843, MONDO:0033364, OMIM 617599.

Allele frequency attached by ClinVar (database versions not stated): gnomAD exomes 0.00001 and 0.00002; ExAC 0.00002; gnomAD 0.00002 and 0.00003; TOPMed 0.00004; 1000 Genomes Project 0.00020; 1000 Genomes Project 30x 0.00031.
gnomAD v4.1: 21 of 1,614,238 alleles (0.0013%); highest among the groups gnomAD compares: Admixed American, 0.015%; no homozygotes.

Submissions (2):

Labcorp Genetics (formerly Invitae), Labcorp
Classification: Uncertain significance. Last evaluated: 2026-01-12. Review status: criteria provided, single submitter. Criteria: Invitae Variant Classification Sherloc (09022015). Collection method: clinical testing. Allele origin: germline.
Comment: This sequence change replaces proline, which is neutral and non-polar, with alanine, which is neutral and non-polar, at codon 32 of the PIGP protein (p.Pro32Ala). This variant is present in population databases (rs201170767, gnomAD 0.01%). This variant has not been reported in the literature in individuals affected with PIGP-related conditions. ClinVar contains an entry for this variant (Variation ID: 803631). An algorithm developed to predict the effect of missense changes on protein structure and function (PolyPhen-2) suggests that this variant is likely to be disruptive. In summary, the available evidence is currently insufficient to determine the role of this variant in disease. Therefore, it has been classified as a Variant of Uncertain Significance.

Mendelics
Classification: Uncertain significance for Developmental and epileptic encephalopathy, 55. Last evaluated: 2019-05-28. Review status: criteria provided, single submitter. Criteria: Mendelics Assertion Criteria 2017. Collection method: clinical testing. Allele origin: unknown.